The following is an entry in ClinVar:

ClinVar aggregate classification (germline): Uncertain significance (1 of 4 stars; one submission).

Conditions:
Aortic aneurysm, familial thoracic 4 (AAT4). Also called: AORTIC ANEURYSM/AORTIC DISSECTION AND PATENT DUCTUS ARTERIOSUS. Identifiers: MedGen C1851504, MONDO:0007568, OMIM 132900.

gnomAD v4.1: 5 of 1,614,082 alleles (0.00031%); highest among the groups gnomAD compares: South Asian, 0.0055%; no homozygotes.

Submission:

Labcorp Genetics (formerly Invitae), Labcorp
Classification: Uncertain significance for Aortic aneurysm, familial thoracic 4. Last evaluated: 2025-11-01. Review status: criteria provided, single submitter. Criteria: Invitae Variant Classification Sherloc (09022015). Collection method: clinical testing. Allele origin: germline.
Comment: This sequence change replaces alanine, which is neutral and non-polar, with threonine, which is neutral and polar, at codon 1673 of the MYH11 protein (p.Ala1673Thr). This variant is not present in population databases (gnomAD no frequency). This variant has not been reported in the literature in individuals affected with MYH11-related conditions. Invitae Evidence Modeling of protein sequence and biophysical properties (such as structural, functional, and spatial information, amino acid conservation, physicochemical variation, residue mobility, and thermodynamic stability) indicates that this missense variant is not expected to disrupt MYH11 protein function with a negative predictive value of 95%. In summary, the available evidence is currently insufficient to determine the role of this variant in disease. Therefore, it has been classified as a Variant of Uncertain Significance.

NM_002474.3(MYH11):c.4996G>A (p.Ala1666Thr)

Genes: NDE1 (nudE neurodevelopment protein 1; plus strand), MYH11 (myosin heavy chain 11; minus strand). Cytogenetic location: 16p13.11.
Variant type: single nucleotide variant.
Coding change: c.4996G>A on transcript NM_002474.3 (MANE Select); coding-DNA position 4996, G replaced by A.
Protein change: p.Ala1666Thr; replaces alanine 1666 with threonine.
Molecular consequence: missense variant. On other transcripts: intron variant (2).
Genome position (GRCh38, 1-based): chr16:15,719,671, C>T on the plus strand (G>A on the coding strand, the complement: MYH11 is on the minus strand). VCF-style: chr16-15719671-C-T. GRCh37 (hg19) VCF-style: chr16-15813528-C-T.
Other names: c.5017G>A, p.Ala1673Thr (NM_001040113.2, NM_001040114.2); c.4996G>A, p.Ala1666Thr (NM_022844.3); c.948-4520C>T (NM_001143979.2, NM_017668.3); short protein forms A1666T, A1673T.
Identifiers: ClinVar variation 4753543 (VCV004753543.1).